The following is an entry in ClinVar:

ClinVar aggregate classification (germline): Benign/Likely benign. Review status: criteria provided, multiple submitters, no conflicts (2 of 4 stars). 9 submissions from 9 submitters: Benign (4); Likely benign (3). 2 of the submissions do not count toward it. Last evaluated 2026-01-28.

Conditions:
KDM6A-related disorder. Also called: KDM6A-related condition.
Kabuki syndrome 2 (KABUK2). Also called: KDM6A-Related Kabuki Syndrome. Identifiers: Orphanet 2322, MedGen C3275495, MONDO:0010465, OMIM 300867.

Allele frequency attached by ClinVar (database versions not stated): gnomAD 0.00665 and 0.00712; 1000 Genomes Project 0.00715; TOPMed 0.00739; 1000 Genomes Project 30x 0.00749; ESP Exome Variant Server 0.00767.
gnomAD v4.1: 1,635 of 1,205,284 alleles (0.14%); highest among the groups gnomAD compares: African/African-American, 2.4%; 13 homozygotes.

Submissions (9):

Labcorp Genetics (formerly Invitae), Labcorp
Classification: Benign for Kabuki syndrome 2. Last evaluated: 2026-01-28. Review status: criteria provided, single submitter. Criteria: Invitae Variant Classification Sherloc (09022015). Collection method: clinical testing. Allele origin: germline.

Genomic Medicine Center of Excellence, King Faisal Specialist Hospital and Research Centre
Classification: Likely benign. Last evaluated: 2025-08-18. Review status: criteria provided, single submitter. Criteria: ACMG Guidelines, 2015. Collection method: clinical testing. Allele origin: germline.

Mayo Clinic Laboratories, Mayo Clinic
Classification: Benign. Last evaluated: 2024-12-30. Review status: criteria provided, single submitter. Criteria: ACMG Guidelines, 2015. Collection method: clinical testing. Allele origin: germline. Observed: 1 variant allele.
Comment: BA1, BS2, BP4_moderate

Blueprint Genetics
Classification: Likely benign. Last evaluated: 2024-10-02. Review status: criteria provided, single submitter. Criteria: ACMG Guidelines, 2015. Collection method: clinical testing. Allele origin: germline.

GeneDx
Classification: Benign. Last evaluated: 2020-10-15. Review status: criteria provided, single submitter. Criteria: GeneDx Variant Classification Process June 2021. Collection method: clinical testing. Allele origin: germline. Affected: yes.

Genetic Services Laboratory, University of Chicago
Classification: Benign. Last evaluated: 2018-02-07. Review status: criteria provided, single submitter. Criteria: ACMG Guidelines, 2015. Collection method: clinical testing. Allele origin: germline. Affected: no.

Breakthrough Genomics
Classification: Likely benign. Review status: criteria provided, single submitter. Criteria: ACMG Guidelines, 2015. Collection method: not provided. Allele origin: germline. Inheritance: X-linked inheritance. Affected: yes.

PreventionGenetics, part of Exact Sciences
Classification: Benign for KDM6A-related condition. Last evaluated: 2023-04-14. Review status: no assertion criteria provided. Collection method: clinical testing. Allele origin: germline. Not counted in ClinVar's aggregate classification.
Comment: This variant is classified as benign based on ACMG/AMP sequence variant interpretation guidelines (Richards et al. 2015 PMID: 25741868, with internal and published modifications).

ITMI
No classification provided. Condition: AllHighlyPenetrant. Last evaluated: 2013-09-19. Review status: no classification provided. Collection method: reference population. Allele origin: germline. Not counted in ClinVar's aggregate classification.
Comment: Please see associated publication for description of ethnicities

Literature cited by the submitters: PubMed 24728327 (cited by ITMI).

NM_001291415.2(KDM6A):c.1999C>G (p.Leu667Val)

Gene: KDM6A (lysine demethylase 6A; plus strand). Cytogenetic location: Xp11.3.
Variant type: single nucleotide variant.
Coding change: c.1999C>G on transcript NM_001291415.2 (MANE Select); coding-DNA position 1999, C replaced by G.
Protein change: p.Leu667Val; replaces leucine 667 with valine.
Molecular consequence: missense variant. On other transcripts: non-coding transcript variant (1).
Genome position (GRCh38, 1-based): chrX:45,063,737, C>G. VCF-style: chrX-45063737-C-G. GRCh37 (hg19) VCF-style: chrX-44922982-C-G.
Other names: p.Leu615Val; c.1843C>G (NM_021140.2); c.1864C>G, p.Leu622Val (NM_001291416.2); c.1708C>G, p.Leu570Val (NM_001291417.2); c.1606C>G, p.Leu536Val (NM_001291418.2); c.955C>G, p.Leu319Val (NM_001291421.2); c.1843C>G, p.Leu615Val (NM_021140.4); short protein forms L667V, L615V, L622V, L319V, L536V, L570V.
Identifiers: ClinVar variation 134596 (VCV000134596.25), dbSNP rs112725812, ClinGen allele CA160290.